The following is an entry in ClinVar:

NM_000135.4(FANCA):c.1547C>T (p.Thr516Ile)

Gene: FANCA (FA complementation group A; minus strand). Cytogenetic location: 16q24.3.
Variant type: single nucleotide variant.
Coding change: c.1547C>T on transcript NM_000135.4 (MANE Select); coding-DNA position 1547, C replaced by T.
Protein change: p.Thr516Ile; replaces threonine 516 with isoleucine.
Molecular consequence: missense variant.
Genome position (GRCh38, 1-based): chr16:89,783,026, G>A on the plus strand (C>T on the coding strand, the complement: FANCA is on the minus strand). VCF-style: chr16-89783026-G-A. GRCh37 (hg19) VCF-style: chr16-89849434-G-A.
Other names: c.1547C>T, p.Thr516Ile (NM_001286167.3); short protein forms T516I.
Identifiers: ClinVar variation 4870866 (VCV004870866.1).

ClinVar aggregate classification (germline): Uncertain significance (1 of 4 stars; one submission).

Conditions:
Inborn genetic diseases. Identifiers: MedGen C0950123, MeSH D030342.

gnomAD v4.1: 1 of 1,614,100 alleles (0.000062%); highest among the groups gnomAD compares: South Asian, 0.0011%; no homozygotes.

Submission:

Ambry Genetics
Classification: Uncertain significance for Inborn genetic diseases. Last evaluated: 2026-05-14. Review status: criteria provided, single submitter. Criteria: Ambry Variant Classification Scheme 2023. Collection method: clinical testing. Allele origin: germline.
Comment: The p.T516I variant (also known as c.1547C>T), located in coding exon 16 of the FANCA gene, results from a C to T substitution at nucleotide position 1547. The threonine at codon 516 is replaced by isoleucine, an amino acid with similar properties. This amino acid position is conserved. In addition, this alteration is predicted to be deleterious by in silico analysis. Based on the available evidence, the clinical significance of this variant remains unclear.